The following is an entry in ClinVar:

ClinVar aggregate classification (germline): Uncertain significance (1 of 4 stars; one submission).

Conditions:
Retinitis pigmentosa 20 (RP20). Identifiers: Orphanet 791, MedGen C3151086, MONDO:0013425, OMIM 613794.
Leber congenital amaurosis 2 (LCA2). Also called: Autosomal Recessive RPE65-Related Retinal Degeneration; AMAUROSIS CONGENITA OF LEBER II. Identifiers: Orphanet 65, MedGen C1859844, MONDO:0008765, OMIM 204100. Disease mechanism: loss of function.

Submission:

Labcorp Genetics (formerly Invitae), Labcorp
Classification: Uncertain significance for Leber congenital amaurosis 2; Retinitis pigmentosa 20. Last evaluated: 2022-01-14. Review status: criteria provided, single submitter. Criteria: Invitae Variant Classification Sherloc (09022015). Collection method: clinical testing. Allele origin: germline.
Comment: This variant has not been reported in the literature in individuals affected with RPE65-related conditions. In summary, the available evidence is currently insufficient to determine the role of this variant in disease. Therefore, it has been classified as a Variant of Uncertain Significance. Algorithms developed to predict the effect of missense changes on protein structure and function (SIFT, PolyPhen-2, Align-GVGD) all suggest that this variant is likely to be tolerated. This variant is not present in population databases (gnomAD no frequency). This sequence change replaces alanine, which is neutral and non-polar, with serine, which is neutral and polar, at codon 28 of the RPE65 protein (p.Ala28Ser).

NM_000329.3(RPE65):c.82G>T (p.Ala28Ser)

Gene: RPE65 (retinoid isomerohydrolase RPE65; minus strand). Cytogenetic location: 1p31.3.
Variant type: single nucleotide variant.
Coding change: c.82G>T on transcript NM_000329.3 (MANE Select); coding-DNA position 82, G replaced by T.
Protein change: p.Ala28Ser; replaces alanine 28 with serine.
Molecular consequence: missense variant.
Genome position (GRCh38, 1-based): chr1:68,448,636, C>A on the plus strand (G>T on the coding strand, the complement: RPE65 is on the minus strand). VCF-style: chr1-68448636-C-A. GRCh37 (hg19) VCF-style: chr1-68914319-C-A.
Other names: c.82G>T, p.Ala28Ser (NM_001406853.1, NM_001406859.1, NM_001406860.1); c.-44G>T (NM_001406856.1); short protein forms A28S.
Identifiers: ClinVar variation 2082824 (VCV002082824.4), dbSNP rs1285702731, ClinGen allele CA340750099.
Genomic context (GRCh38, chr1:68,448,636, plus strand): 5'-AGAGAGACTGACATAAAAGAGGATGGCTTCAAGATGGGCGAGACCAACCTGTTACATGAG[C>A]TGTGAGCGGCGAGGACAGTTCCTCCACAGTTTCAAACAGTTTCTTGTAACCACCAGCAGG-3'
Protein context (NP_000320.1, residues 18-38): TVEELSSPLT[Ala28Ser]HVTGRIPLWL